The following is an entry in ClinVar:

ClinVar aggregate classification (germline): Likely benign. Review status: criteria provided, multiple submitters, no conflicts (2 of 4 stars). 2 submissions from 2 submitters: Likely benign (2). Last evaluated 2024-02-09.

Conditions:
Hereditary cancer-predisposing syndrome. Also called: Tumor predisposition; Neoplastic Syndromes, Hereditary; Hereditary Cancer Syndrome; Hereditary neoplastic syndrome. Identifiers: Orphanet 140162, MedGen C0027672, MeSH D009386, MONDO:0015356.
Familial cancer of breast. Also called: hereditary breast carcinoma; Hereditary breast cancer; BREAST CANCER, FAMILIAL. Identifiers: Orphanet 227535, MedGen C0346153, MONDO:0016419, OMIM 114480. Disease mechanism: loss of function.

Submissions (2):

MGZ Medical Genetics Center
Classification: Likely benign for Familial cancer of breast. Last evaluated: 2024-02-09. Review status: criteria provided, single submitter. Criteria: CSpec BRCA1/2ACMG Rules Specifications V1.1.0. Collection method: clinical testing. Allele origin: germline. Affected: yes.
Comment: ACMG codes applied following ENIGMA VCEP rules: BP1_STR, PM2_SUP

University of Washington Department of Laboratory Medicine, University of Washington
Classification: Likely benign for Hereditary cancer-predisposing syndrome. Last evaluated: 2023-03-23. Review status: criteria provided, single submitter. Criteria: Dines et al. (Genet Med. 2020). Collection method: curation. Allele origin: germline.
Comment: Missense variant in a coldspot region where missense variants are very unlikely to be pathogenic (PMID:31911673).

BRCA1 coldspot (exon 11 using historical exon numbering). Reclassification based on statistical prior probability

NM_007294.4(BRCA1):c.3728G>C (p.Arg1243Thr)

Genes: BRCA1 (BRCA1 DNA repair associated; minus strand), LOC126862571 (BRD4-independent group 4 enhancer GRCh37_chr17:41243136-41244335; plus strand). Cytogenetic location: 17q21.31.
Variant type: single nucleotide variant.
Coding change: c.3728G>C on transcript NM_007294.4 (MANE Select); coding-DNA position 3728, G replaced by C.
Protein change: p.Arg1243Thr; replaces arginine 1243 with threonine.
Molecular consequence: missense variant. On other transcripts: intron variant (135).
Genome position (GRCh38, 1-based): chr17:43,091,803, C>G on the plus strand (G>C on the coding strand, the complement: BRCA1 is on the minus strand). VCF-style: chr17-43091803-C-G. GRCh37 (hg19) VCF-style: chr17-41243820-C-G.
Other names: c.3515G>C, p.Arg1172Thr (NM_001407571.1, NM_001407853.1, NM_001407894.1 and 9 more transcripts); c.3728G>C, p.Arg1243Thr (NM_001407581.1, NM_001407582.1, NM_001407583.1 and 30 more transcripts); c.3725G>C, p.Arg1242Thr (NM_001407587.1, NM_001407590.1, NM_001407591.1 and 22 more transcripts); c.3719G>C, p.Arg1240Thr (NM_001407646.1, NM_001407647.1); c.3605G>C, p.Arg1202Thr (NM_001407648.1, NM_001407664.1, NM_001407665.1 and 19 more transcripts); c.3602G>C, p.Arg1201Thr (NM_001407649.1, NM_001407670.1, NM_001407671.1 and 11 more transcripts); c.3650G>C, p.Arg1217Thr (NM_001407653.1, NM_001407654.1, NM_001407655.1 and 4 more transcripts); c.3647G>C, p.Arg1216Thr (NM_001407659.1, NM_001407660.1, NM_001407661.1 and 1 more transcripts); and 41 more; short protein forms R1075T, R1115T, R1116T, R1131T, R1132T, R1154T, R1155T, R1172T.
Identifiers: ClinVar variation 1708959 (VCV001708959.4), dbSNP rs1597861763, ClinGen allele CA10594514.